The following is an entry in ClinVar:

ClinVar aggregate classification (germline): Pathogenic/Likely pathogenic. Review status: criteria provided, multiple submitters, no conflicts (2 of 4 stars). 41 submissions from 38 submitters: Pathogenic (32); Likely pathogenic (2). 7 of the submissions do not count toward it. Last evaluated 2026-09-01.

Conditions:
OPA1-related disorder. Also called: OPA1-related disorders; OPA1-related condition.
Possible mitochondrial disorder - nuclear genes.
Glaucoma, normal tension, susceptibility to (NTG). Also called: GLAUCOMA, NORMAL PRESSURE, SUSCEPTIBILITY TO. Identifiers: MedGen C1847730, MONDO:0011693, OMIM 606657.
Autosomal dominant optic atrophy classic form (OPA1). Also called: KJER-TYPE OPTIC ATROPHY; OPTIC ATROPHY, JUVENILE; Optic Atrophy Type 1. Identifiers: Orphanet 98673, MedGen C0338508, MONDO:0008134, OMIM 165500.
Mitochondrial DNA depletion syndrome 14B (cardioencephalomyopathic type). Also called: Mitochondrial DNA depletion syndrome 14 (encephalocardiomyopathic type); Mitochondrial DNA depletion syndrome 14 (cardioencephalomyopathic type). Identifiers: MedGen C6065890, MONDO:0014820, OMIM 616896.
Optic atrophy with or without deafness, ophthalmoplegia, myopathy, ataxia, and neuropathy. Also called: OPTIC ATROPHY PLUS SYNDROME. Identifiers: MedGen C3276549, MONDO:0007429, OMIM 125250.
Abortive cerebellar ataxia (BEHRS). Also called: Behr syndrome; OPTIC ATROPHY, INFANTILE HEREDITARY, WITH NEUROLOGIC ABNORMALITIES. Identifiers: Orphanet 1239, MedGen C0221061, MONDO:0008858, OMIM 210000.
Inborn genetic diseases. Identifiers: MedGen C0950123, MeSH D030342.
Optic atrophy. Identifiers: MedGen C0029124, MONDO:0003608, HP:0000648.
Mitochondrial disease. Also called: Mitochondrial disorders; Mitochondrial disorder. Identifiers: Orphanet 68380, MedGen C0751651, MeSH D028361, MONDO:0044970.
3-Methylglutaconic aciduria type 3 (MGCA3). Also called: OPA3-Related 3-Methylglutaconic Aciduria; OPA3, AUTOSOMAL RECESSIVE; OPTIC ATROPHY 3, AUTOSOMAL RECESSIVE; Costeff Syndrome. Identifiers: Orphanet 67047, MedGen C0574084, MONDO:0009787, OMIM 258501.
Tip-toe gait. Also called: Toe walking. Identifiers: MedGen C0427144, HP:0030051.
Retinal disorder. Also called: Retinal disorders; Retinopathy; Retinopathies; Retinal Diseases. Identifiers: MedGen C0035309, MONDO:0005283, HP:0000488.
Optic neuropathy. Also called: Optic nerve disorder. Identifiers: MedGen C3887709, MONDO:0002135, HP:0001138.

Submissions 1 to 9 of 42:

CeGaT Center for Human Genetics Tuebingen
Classification: Pathogenic. Last evaluated: 2026-09-01. Review status: criteria provided, single submitter. Criteria: CeGaT Center For Human Genetics Tuebingen Variant Classification Criteria Version 2. Collection method: clinical testing. Allele origin: germline. Affected: yes. Observed: 10 variant alleles.
Comment: OPA1: PVS1, PS4, PM2:Supporting

PreventionGenetics, part of Exact Sciences
Classification: Pathogenic for OPA1-related condition. Last evaluated: 2026-06-12. Review status: criteria provided, single submitter. Criteria: ACMG Guidelines, 2015. Collection method: clinical testing. Allele origin: germline.
Comment: The OPA1 c.2873_2876delTTAG variant is predicted to result in a frameshift and premature protein termination (p.Val958Glyfs*3). This variant can also be denoted as c.2708_2711delTTAG (p.Val903Glyfs*3) in the transcript NM_015560. This variant has been reported many times as causative for autosomal dominant optic atrophy (see for examples Delettre et al. 2000. PubMed ID: 11017079; Pretegiani et al. 2011. PubMed ID: 21646330; Gaier et al. 2017. PubMed ID: 28848318; Lin et al. 2021. PubMed ID: 34573359). This variant has also been reported in the compound heterozygous state in an individual with early-onset Behr syndrome and the unaffected mother was a carrier of this variant, suggesting there may be incomplete penetrance (Bonneau et al. 2014. PubMed ID: 25012220). This variant is present in 0.0062% of alleles in individuals of European (Non-Finnish) descent in gnomAD. Frameshift variants in OPA1 are an established mechanism of disease. Given all the evidence, we interpret this variant as pathogenic for autosomal dominant disease.

Genetics Laboratory, Great Ormond Street Hospital NHS Foundation Trust, North Thames Genomic Laboratory Hub
Classification: Pathogenic for Possible mitochondrial disorder - nuclear genes. Last evaluated: 2026-05-18. Review status: criteria provided, single submitter. Criteria: ACGS Best Practice Guidelines for Variant Classification in Rare Disease 2024 v1.2. Collection method: clinical testing. Allele origin: germline. Affected: yes.
Comment: PS4_moderate, PVS1_very-strong

Genetics Laboratory, Great Ormond Street Hospital NHS Foundation Trust, North Thames Genomic Laboratory Hub
Classification: Pathogenic for Optic neuropathy. Last evaluated: 2026-03-07. Review status: criteria provided, single submitter. Criteria: ACGS Best Practice Guidelines for Variant Classification in Rare Disease 2024 v1.2. Collection method: clinical testing. Allele origin: germline. Affected: yes.
Comment: the same text as in the submission from Genetics Laboratory, Great Ormond Street Hospital NHS Foundation Trust, North Thames Genomic Laboratory Hub above.

Medical and Scientific Branch, Hong Kong Genome Institute
Classification: Pathogenic for Autosomal dominant optic atrophy classic form. Last evaluated: 2026-01-26. Review status: criteria provided, single submitter. Criteria: ACMG Guidelines, 2015. Collection method: clinical testing. Allele origin: maternal. Affected: yes.

Labcorp Genetics (formerly Invitae), Labcorp
Classification: Pathogenic. Last evaluated: 2026-01-18. Review status: criteria provided, single submitter. Criteria: Invitae Variant Classification Sherloc (09022015). Collection method: clinical testing. Allele origin: germline.
Comment: This sequence change creates a premature translational stop signal (p.Val903Glyfs*3) in the OPA1 gene. It is expected to result in an absent or disrupted protein product. Loss-of-function variants in OPA1 are known to be pathogenic (PMID: 11440988, 20157015, 20952381, 25012220). This variant is present in population databases (rs745560444, gnomAD 0.007%). This premature translational stop signal has been observed in individuals with dominant optic atrophy (PMID: 11017079, 26385429). It has also been observed to segregate with disease in related individuals. This variant is also known as c.2708delTTAG and c.2873_2876delTTAG (p.V958Gfs*3). ClinVar contains an entry for this variant (Variation ID: 5082). Algorithms developed to predict the effect of sequence changes on RNA splicing suggest that this variant may disrupt the consensus splice site. For these reasons, this variant has been classified as Pathogenic.

Clinical Genomics Laboratory, Washington University in St. Louis
Classification: Pathogenic for Optic atrophy with or without deafness, ophthalmoplegia, myopathy, ataxia, and neuropathy. Last evaluated: 2026-01-15. Review status: criteria provided, single submitter. Criteria: ACMG Guidelines, 2015. Collection method: clinical testing. Allele origin: germline. Affected: yes.
Comment: The OPA1 c.2873_2876del (p.Val958Glyfs*3) variant, also published as c.2708delTTAG on NM_015560.2, has been reported in many individuals affected with autosomal dominant optic atrophy and is reported to segregate with disease in several families, but unaffected individuals have also been described in these families indicating this variant may have reduced penetrance (Almind GJ et al., PMID: 22857269; Bonneau D et al., PMID: 25012220; Delettre C et al., PMID: 11810270; Schaaf CP et al., PMID: 21636302; Toomes C et al., PMID: 11440989). Fibroblasts from affected individuals heterozygous for this variant demonstrated reduced OPA1 protein levels and abnormal mitochondrial morphology and fusion compared to control fibroblasts (Zanna C et al., PMID: 18222991). A mouse model expressing this variant displayed a phenotype that included signs of visual failure, deafness, encephalomyopathy, peripheral neuropathy, ataxia, cardiomyopathy, and premature age-related axonal and myelin degeneration (Sarzi E et al., PMID: 23250881). This variant has been reported in the ClinVar database as a germline pathogenic or likely pathogenic variant by 35 submitters. This variant is only observed on 10/282,600 alleles in the general population (gnomAD v2.1.1), indicating it is not a common variant. Based on available information and the ACMG/AMP guidelines for variant interpretation (Richards S et al., PMID: 25741868), this variant is classified as pathogenic.

3billion
Classification: Pathogenic for OPA1-related disorder. Last evaluated: 2026-01-09. Review status: criteria provided, single submitter. Criteria: ACMG Guidelines, 2015. Collection method: clinical testing. Allele origin: germline. Affected: yes.
Comment: The variant is observed in the gnomAD v4.1.0 dataset (total allele frequency: 0.003%). Predicted Consequence/Location: Canonical splice site: predicted to alter splicing and result in a loss or disruption of normal protein function. Multiple pathogenic loss-of-function variants are reported downstream of the variant. In silico tools predict the variant to alter splicing and produce an abnormal transcript [SpliceAI: 0.98 (spliceogenicity >=0.2, non-spliceogenicity <0.1)]. The variant has been observed in multiple (>3) similarly affected unrelated individuals (PMID: 14961560, 20417570). The variant has been reported to co-segregate with the disease in at least 7 similarly affected relatives/individuals in at least two unrelated families (PMID: 11017079). The variant has been reported at least twice as pathogenic with clinical assertions and evidence for the classification (ClinVar ID: VCV000005082 /PMID: 11017079 /3billion dataset). Therefore, this variant is classified as Pathogenic according to the recommendation of ACMG/AMP guideline.

Dasa
Classification: Pathogenic. Last evaluated: 2025-10-27. Review status: criteria provided, single submitter. Criteria: DASA Assertion Criteria. Collection method: clinical testing. Allele origin: germline.
Comment: NM_130837.3(OPA1):c.2873_2876del (p.Val958Glyfs*3) is a frameshift variant in OPA1 predicted to alter the reading frame and introduce a premature termination codon and is predicted to result in an absent or altered protein product. Loss of function is an established disease mechanism for OPA1-associated disorders. This variant has been recurrently observed in individuals with OPA1-related disorders (PMID: 11017079; PMID: 11440988; PMID: 20157015; PMID: 20952381; PMID: 26385429). Segregation data support an association with disease in the reported family/families (PMID: 11017079). Also, this variant is rare in population databases. Based on the currently available evidence, this variant is classified as pathogenic.

NM_130837.3(OPA1):c.2873_2876del

Gene: OPA1 (OPA1 mitochondrial dynamin like GTPase; plus strand). Cytogenetic location: 3q29.
Variant type: Deletion.
Coding change: c.2873_2876del on transcript NM_130837.3 (MANE Select); coding-DNA positions 2873 to 2876, 4 bases deleted (TTAG; older notation c.2873_2876delTTAG).
Molecular consequence: splice acceptor variant.
Genome position (GRCh38, 1-based): chr3:193,667,170-193,667,173, TTAG deleted; deleting any 4 consecutive bases within chr3:193,667,168-193,667,173 gives the same sequence; the c. name uses the placement nearest the transcript's 3' end. VCF-style (leftmost placement, unchanged base first): chr3-193667167-CAGTT-C. GRCh37 (hg19) VCF-style: chr3-193384956-CAGTT-C.
Other names: p.Val903Glyfs*3; c.2873_2876del (NM_130837.2); c.2708_2711delTTAG (NM_015560.3); c.2873-2_2874del (NM_130837.3).
Identifiers: ClinVar variation 5082 (VCV000005082.92), dbSNP rs80356530, ClinGen allele CA143822.